The following is an entry in ClinVar:

ClinVar aggregate classification (germline): Pathogenic (1 of 4 stars; one submission).

Conditions:
Waardenburg syndrome type 4C (WS4C). Also called: WAARDENBURG SYNDROME WITH HIRSCHSPRUNG DISEASE, TYPE 4C. Identifiers: Orphanet 897, MedGen C2750452, MONDO:0013202, OMIM 613266.

Submission:

Institute of Rare Diseases, West China Hospital, Sichuan University
Classification: Pathogenic for Waardenburg syndrome type 4C. Last evaluated: 2025-01-09. Review status: criteria provided, single submitter. Criteria: ClinGen HL ACMG Specifications v1. Collection method: research. Allele origin: germline. Affected: yes.
Comment: PM1;PVS1;PM2_Supporting

NM_006941.4(SOX10):c.405_406insTGGGCAC (p.Lys136fs)

Genes: POLR2F (RNA polymerase II, I and III subunit F; plus strand), SOX10 (SRY-box transcription factor 10; minus strand). Cytogenetic location: 22q13.1.
Variant type: Insertion.
Coding change: c.405_406insTGGGCAC on transcript NM_006941.4 (MANE Select); coding-DNA positions 405 to 406, TGGGCAC inserted.
Protein change: p.Lys136fs; shifts the reading frame from lysine 136.
Molecular consequence: frameshift variant. On other transcripts: intron variant (3).
Genome position: GRCh38 VCF-style: chr22-37983379-T-TGTGCCCA. GRCh37 (hg19) VCF-style: chr22-38379386-T-TGTGCCCA.
Other names: c.*38+11070_*38+11071insTGCCCAG (NM_001363825.1); c.294-2774_294-2773insTGCCCAG (NM_001301130.2); c.293+16210_293+16211insTGCCCAG (NM_001301131.2); short protein forms K136fs.
Identifiers: ClinVar variation 3601828 (VCV003601828.1).